The following is an entry in ClinVar:

ClinVar aggregate classification (germline): Uncertain significance (1 of 4 stars; one submission).

Allele frequency attached by ClinVar (database versions not stated): gnomAD exomes below 0.00001; TOPMed 0.00001.
gnomAD v4.1: 2 of 1,611,262 alleles (0.00012%); highest among the groups gnomAD compares: African/African-American, 0.0013%; no homozygotes.

Submission:

Labcorp Genetics (formerly Invitae), Labcorp
Classification: Uncertain significance. Last evaluated: 2022-08-16. Review status: criteria provided, single submitter. Criteria: Invitae Variant Classification Sherloc (09022015). Collection method: clinical testing. Allele origin: germline.
Comment: In summary, the available evidence is currently insufficient to determine the role of this variant in disease. Therefore, it has been classified as a Variant of Uncertain Significance. Experimental studies and prediction algorithms are not available or were not evaluated, and the functional significance of this variant is currently unknown. ClinVar contains an entry for this variant (Variation ID: 1512431). This variant has not been reported in the literature in individuals affected with COL18A1-related conditions. This variant is not present in population databases (gnomAD no frequency). This sequence change replaces glutamic acid, which is acidic and polar, with glycine, which is neutral and non-polar, at codon 923 of the COL18A1 protein (p.Glu923Gly).

NM_001379500.1(COL18A1):c.2768A>G (p.Glu923Gly)

Genes: COL18A1 (collagen type XVIII alpha 1 chain; plus strand), SLC19A1 (solute carrier family 19 member 1; minus strand). Cytogenetic location: 21q22.3.
Variant type: single nucleotide variant.
Coding change: c.2768A>G on transcript NM_001379500.1 (MANE Select); coding-DNA position 2768, A replaced by G.
Protein change: p.Glu923Gly; replaces glutamic acid 923 with glycine.
Molecular consequence: missense variant.
Genome position (GRCh38, 1-based): chr21:45,504,456, A>G. VCF-style: chr21-45504456-A-G. GRCh37 (hg19) VCF-style: chr21-46924370-A-G.
Other names: c.3308A>G, p.Glu1103Gly (NM_030582.4); c.4013A>G, p.Glu1338Gly (NM_130444.3); short protein forms E1338G, E923G, E1103G.
Identifiers: ClinVar variation 1512431 (VCV001512431.4), dbSNP rs967347156, ClinGen allele CA321921211.